The following is an entry in ClinVar:

NM_000081.4(LYST):c.6053C>T (p.Ala2018Val)

Gene: LYST (lysosomal trafficking regulator; minus strand). Cytogenetic location: 1q42.3.
Variant type: single nucleotide variant.
Coding change: c.6053C>T on transcript NM_000081.4 (MANE Select); coding-DNA position 6053, C replaced by T.
Protein change: p.Ala2018Val; replaces alanine 2018 with valine.
Molecular consequence: missense variant.
Genome position (GRCh38, 1-based): chr1:235,766,147, G>A on the plus strand (C>T on the coding strand, the complement: LYST is on the minus strand). VCF-style: chr1-235766147-G-A. GRCh37 (hg19) VCF-style: chr1-235929447-G-A.
Other names: c.6053C>T, p.Ala2018Val (NM_001301365.1); short protein forms A2018V.
Identifiers: ClinVar variation 3679436 (VCV003679436.2).
Genomic context (GRCh38, chr1:235,766,147, plus strand): 5'-AAAGAAAAGTAGAAGTTCGTGGGATTGTGACAAACGTAAGTATTAGTAGGAGGGTGAACT[G>A]CTAAAAGGAAATTGAAGATAATTGTCAATAATTCCAAATCTGGAGGAGATCCAAGGACTT-3'
Protein context (NP_000072.2, residues 2008-2028): LLTIIFNFLL[Ala2018Val]VHPPTNTYVC

ClinVar aggregate classification (germline): Uncertain significance (1 of 4 stars; one submission).

Conditions:
Chédiak-Higashi syndrome (CHS). Also called: Chediak-Higashi Syndrome. Identifiers: Orphanet 167, MedGen C0007965, MONDO:0008963, OMIM 214500.

gnomAD v4.1: 3 of 1,613,242 alleles (0.00019%); highest among the groups gnomAD compares: Non-Finnish European, 0.00025%; no homozygotes.

Submission:

Labcorp Genetics (formerly Invitae), Labcorp
Classification: Uncertain significance for Chédiak-Higashi syndrome. Last evaluated: 2025-01-29. Review status: criteria provided, single submitter. Criteria: Invitae Variant Classification Sherloc (09022015). Collection method: clinical testing. Allele origin: germline.
Comment: This sequence change replaces alanine, which is neutral and non-polar, with valine, which is neutral and non-polar, at codon 2018 of the LYST protein (p.Ala2018Val). This variant is not present in population databases (gnomAD no frequency). This variant has not been reported in the literature in individuals affected with LYST-related conditions. Invitae Evidence Modeling of protein sequence and biophysical properties (such as structural, functional, and spatial information, amino acid conservation, physicochemical variation, residue mobility, and thermodynamic stability) has been performed for this missense variant. However, the output from this modeling did not meet the statistical confidence thresholds required to predict the impact of this variant on LYST protein function. In summary, the available evidence is currently insufficient to determine the role of this variant in disease. Therefore, it has been classified as a Variant of Uncertain Significance.